The following is an entry in ClinVar:

ClinVar aggregate classification (germline): Pathogenic (1 of 4 stars; one submission).

Submission:

ISCA Site 6
Classification: Pathogenic. Last evaluated: 2011-08-12. Review status: criteria provided, single submitter. Criteria: Kaminsky et al. (Genet Med. 2011). Collection method: clinical testing. Allele origin: unknown. Affected: yes. Observed: 1 variant allele.
Comment: Copy number variation identified through the course of routine clinical cytogenomic testing in postnatal populations. Clinical assertions have been curated as described in Kaminsky et al. 2011.

GRCh38/hg38 22q13.2-13.33(chr22:42599757-50725241)x3

Genes: MAPK11 (mitogen-activated protein kinase 11; minus strand), MAPK12 (mitogen-activated protein kinase 12; minus strand), MAPK8IP2 (mitogen-activated protein kinase 8 interacting protein 2; plus strand), MCAT (malonyl-CoA-acyl carrier protein transacylase; minus strand), MIOX (myo-inositol oxygenase; plus strand) and 500 more. Cytogenetic location: 22q13.2-13.33.
Variant type: copy number gain.
Change: copy number 3 (three copies instead of two) of chr22:42,599,757-50,725,241 (8.13 Mb, GRCh38 coordinates, 1-based), cytogenetic band 22q13.2-13.33.
Identifiers: ClinVar variation 57944 (VCV000057944.2).